The following is an entry in ClinVar:

NM_005475.3(SH2B3):c.369G>C (p.Glu123Asp)

Gene: SH2B3 (SH2B adaptor protein 3; plus strand). Cytogenetic location: 12q24.12.
Variant type: single nucleotide variant.
Coding change: c.369G>C on transcript NM_005475.3 (MANE Select); coding-DNA position 369, G replaced by C.
Protein change: p.Glu123Asp; replaces glutamic acid 123 with aspartic acid.
Molecular consequence: missense variant.
Genome position (GRCh38, 1-based): chr12:111,418,514, G>C. VCF-style: chr12-111418514-G-C. GRCh37 (hg19) VCF-style: chr12-111856318-G-C.
Other names: short protein forms E123D.
Identifiers: ClinVar variation 3795104 (VCV003795104.1).

ClinVar aggregate classification (germline): Uncertain significance (1 of 4 stars; one submission).

Conditions:
Inborn genetic diseases. Identifiers: MedGen C0950123, MeSH D030342.

Submission:

Ambry Genetics
Classification: Uncertain significance for Inborn genetic diseases. Last evaluated: 2025-01-13. Review status: criteria provided, single submitter. Criteria: Ambry Variant Classification Scheme 2023. Collection method: clinical testing. Allele origin: germline.
Comment: The p.E123D variant (also known as c.369G>C), located in coding exon 1 of the SH2B3 gene, results from a G to C substitution at nucleotide position 369. The glutamic acid at codon 123 is replaced by aspartic acid, an amino acid with highly similar properties. This amino acid position is conserved. In addition, this alteration is predicted to be tolerated by in silico analysis. Based on the available evidence, the clinical significance of this variant remains unclear.